The following is an entry in ClinVar:

ClinVar aggregate classification (germline): Conflicting classifications of pathogenicity. Review status: criteria provided, conflicting classifications (1 of 4 stars). 4 submissions from 4 submitters: Uncertain significance (3); Likely benign (1). Last evaluated 2025-08-29.

Conditions:
Cardiovascular phenotype. Identifiers: MedGen CN230736.
Arrhythmogenic right ventricular cardiomyopathy (ARVD). Also called: Cardiomyopathy, ARVC; Arrhythmogenic right ventricular dysplasia; Arrhythmogenic cardiomyopathy; Arrhythmogenic Right Ventricular Cardiomyopathy (ARVC). Identifiers: Orphanet 247, MedGen C0349788, MeSH D019571, MONDO:0016587. Disease mechanism: loss of function. Inheritance: Various modes of inheritance.
Cardiomyopathy (CMYO). Also called: Cardiomyopathies. Identifiers: Orphanet 167848, MedGen C0878544, MONDO:0004994, HP:0001638. Inheritance: Various modes of inheritance.
Arrhythmogenic right ventricular dysplasia 10. Also called: Arrhythmogenic Right Ventricular Dysplasia/Cardiomyopathy10; ARRHYTHMOGENIC RIGHT VENTRICULAR DYSPLASIA, FAMILIAL, 10; Arrhythmogenic right ventricular dysplasia/cardiomyopathy, type 10. Identifiers: MedGen C1857777, MONDO:0012434, OMIM 610193.

Allele frequency attached by ClinVar (database versions not stated): gnomAD 0.00002.
gnomAD v4.1: 10 of 1,613,856 alleles (0.00062%); highest among the groups gnomAD compares: Admixed American, 0.0067%; no homozygotes.

Submissions (4):

Labcorp Genetics (formerly Invitae), Labcorp
Classification: Uncertain significance for Arrhythmogenic right ventricular dysplasia 10. Last evaluated: 2025-08-29. Review status: criteria provided, single submitter. Criteria: Invitae Variant Classification Sherloc (09022015). Collection method: clinical testing. Allele origin: germline.
Comment: This sequence change replaces isoleucine, which is neutral and non-polar, with valine, which is neutral and non-polar, at codon 934 of the DSG2 protein (p.Ile934Val). This variant is not present in population databases (gnomAD no frequency). This missense change has been observed in individual(s) with clinical features of DSG2-related conditions (PMID: 29247119). ClinVar contains an entry for this variant (Variation ID: 808381). Invitae Evidence Modeling of protein sequence and biophysical properties (such as structural, functional, and spatial information, amino acid conservation, physicochemical variation, residue mobility, and thermodynamic stability) indicates that this missense variant is not expected to disrupt DSG2 protein function with a negative predictive value of 95%. In summary, the available evidence is currently insufficient to determine the role of this variant in disease. Therefore, it has been classified as a Variant of Uncertain Significance.

Ambry Genetics
Classification: Likely benign for Cardiovascular phenotype. Last evaluated: 2025-06-13. Review status: criteria provided, single submitter. Criteria: Ambry Variant Classification Scheme 2023. Collection method: clinical testing. Allele origin: germline.

Color Diagnostics, LLC DBA Color Health
Classification: Uncertain significance for Cardiomyopathy. Last evaluated: 2024-02-07. Review status: criteria provided, single submitter. Criteria: ACMG Guidelines, 2015. Collection method: clinical testing. Allele origin: germline.
Comment: This missense variant replaces isoleucine with valine at codon 934 of the DSG2 protein. Computational prediction suggests that this variant may not impact protein structure and function (internally defined REVEL score threshold <= 0.5, PMID: 27666373). To our knowledge, functional studies have not been reported for this variant. This variant has been reported in an individual affected with sudden unexplained death (PMID: 29247119). This variant has not been identified in the general population by the Genome Aggregation Database (gnomAD). The available evidence is insufficient to determine the role of this variant in disease conclusively. Therefore, this variant is classified as a Variant of Uncertain Significance.

All of Us Research Program, National Institutes of Health
Classification: Uncertain significance for Arrhythmogenic right ventricular cardiomyopathy. Last evaluated: 2023-12-01. Review status: criteria provided, single submitter. Criteria: ACMG Guidelines, 2015. Collection method: clinical testing. Allele origin: germline. Inheritance: Autosomal dominant inheritance. Observed: 5 variant alleles, 5 heterozygotes.
Comment: This missense variant replaces isoleucine with valine at codon 934 of the DSG2 protein. Computational prediction suggests that this variant may not impact protein structure and function (internally defined REVEL score threshold <= 0.5, PMID: 27666373). To our knowledge, functional studies have not been reported for this variant. This variant has been reported in an individual affected with sudden unexplained death (PMID: 29247119). This variant has not been identified in the general population by the Genome Aggregation Database (gnomAD). The available evidence is insufficient to determine the role of this variant in disease conclusively. Therefore, this variant is classified as a Variant of Uncertain Significance.

This study involves interpretation of variants in research participants for the purpose of population health screening. Participant phenotype was not available at the time of variant classification. Additional details can be found in publication PMID: 35346344, PMCID: PMC8962531

Literature cited by the submitters: PubMed 29247119 (cited by 4 submitters).

NM_001943.5(DSG2):c.2800A>G (p.Ile934Val)

Genes: DSG2 (desmoglein 2; plus strand), DSG2-AS1 (DSG2 antisense RNA 1; minus strand). Cytogenetic location: 18q12.1.
Variant type: single nucleotide variant.
Coding change: c.2800A>G on transcript NM_001943.5 (MANE Select); coding-DNA position 2800, A replaced by G.
Protein change: p.Ile934Val; replaces isoleucine 934 with valine.
Molecular consequence: missense variant.
Genome position (GRCh38, 1-based): chr18:31,546,186, A>G. VCF-style: chr18-31546186-A-G. GRCh37 (hg19) VCF-style: chr18-29126149-A-G.
Other names: short protein forms I934V.
Identifiers: ClinVar variation 808381 (VCV000808381.22), dbSNP rs1469730786, ClinGen allele CA402146788.